The following is an entry in ClinVar:

ClinVar aggregate classification (germline): Uncertain significance. Review status: criteria provided, multiple submitters, no conflicts (2 of 4 stars). 3 submissions from 3 submitters: Uncertain significance (2). 1 of the submissions does not count toward it. Last evaluated 2022-08-22.

Conditions:
Becker muscular dystrophy (BMD). Also called: MUSCULAR DYSTROPHY, PSEUDOHYPERTROPHIC PROGRESSIVE, BECKER TYPE; Becker Muscular Dystrophy (BMD). Identifiers: Orphanet 98895, MedGen C0917713, MONDO:0010311, OMIM 300376.
Cardiomyopathy (CMYO). Also called: Cardiomyopathies. Identifiers: Orphanet 167848, MedGen C0878544, MONDO:0004994, HP:0001638. Inheritance: Various modes of inheritance.
Duchenne muscular dystrophy (DMD). Also called: MUSCULAR DYSTROPHY, PSEUDOHYPERTROPHIC PROGRESSIVE, DUCHENNE TYPE; Duchenne Muscular Dystrophy (DMD). Identifiers: Orphanet 98896, MedGen C0013264, MONDO:0010679, OMIM 310200.
Dystrophin deficiency.
Dilated cardiomyopathy 3B (CMD3B). Also called: CMD3B: DMD-Related Dilated Cardiomyopathy; CARDIOMYOPATHY, DILATED, X-LINKED; DMD-Associated Dilated Cardiomyopathy. Identifiers: Orphanet 154, MedGen C3668940, MONDO:0010542, OMIM 302045.

Allele frequency attached by ClinVar (database versions not stated): TOPMed below 0.00001; gnomAD exomes 0.00001.
gnomAD v4.1: 6 of 1,211,514 alleles (0.0005%); highest among the groups gnomAD compares: Non-Finnish European, 0.00067%; no homozygotes.

Submissions (3):

Labcorp Genetics (formerly Invitae), Labcorp
Classification: Uncertain significance for Duchenne muscular dystrophy. Last evaluated: 2022-08-22. Review status: criteria provided, single submitter. Criteria: Invitae Variant Classification Sherloc (09022015). Collection method: clinical testing. Allele origin: germline.
Comment: This sequence change replaces serine, which is neutral and polar, with asparagine, which is neutral and polar, at codon 2280 of the DMD protein (p.Ser2280Asn). This variant is not present in population databases (gnomAD no frequency). This variant has not been reported in the literature in individuals affected with DMD-related conditions. ClinVar contains an entry for this variant (Variation ID: 409881). Algorithms developed to predict the effect of missense changes on protein structure and function (SIFT, PolyPhen-2, Align-GVGD) all suggest that this variant is likely to be tolerated. In summary, the available evidence is currently insufficient to determine the role of this variant in disease. Therefore, it has been classified as a Variant of Uncertain Significance.

Fulgent Genetics
Classification: Uncertain significance for Becker muscular dystrophy; Dilated cardiomyopathy 3B; Duchenne muscular dystrophy. Last evaluated: 2018-10-31. Review status: criteria provided, single submitter. Criteria: ACMG Guidelines, 2015. Collection method: clinical testing. Allele origin: unknown.

Natera, Inc.
Classification: Uncertain significance for Becker muscular dystrophy; Cardiomyopathy; Duchenne muscular dystrophy; Dystrophin deficiency. Last evaluated: 2020-07-29. Review status: no assertion criteria provided. Collection method: clinical testing. Allele origin: germline. Not counted in ClinVar's aggregate classification.

NM_004006.3(DMD):c.6839G>A (p.Ser2280Asn)

Gene: DMD (dystrophin; minus strand). Cytogenetic location: Xp21.1.
Variant type: single nucleotide variant.
Coding change: c.6839G>A on transcript NM_004006.3 (MANE Select); coding-DNA position 6839, G replaced by A.
Protein change: p.Ser2280Asn; replaces serine 2280 with asparagine.
Molecular consequence: missense variant. On other transcripts: 5 prime UTR variant (5).
Genome position (GRCh38, 1-based): chrX:31,929,669, C>T on the plus strand (G>A on the coding strand, the complement: DMD is on the minus strand). VCF-style: chrX-31929669-C-T. GRCh37 (hg19) VCF-style: chrX-31947786-C-T.
Other names: c.6815G>A, p.Ser2272Asn (NM_000109.4); c.6827G>A, p.Ser2276Asn (NM_004009.3); c.6470G>A, p.Ser2157Asn (NM_004010.3); c.2816G>A, p.Ser939Asn (NM_004011.4); c.2807G>A, p.Ser936Asn (NM_004012.4); c.-542G>A (NM_004013.3, NM_004020.4, NM_004021.3 and 2 more transcripts); short protein forms S2280N, S2157N, S936N, S2272N, S2276N, S939N.
Identifiers: ClinVar variation 409881 (VCV000409881.4), dbSNP rs1060502614, ClinGen allele CA16616670.